The following is an entry in ClinVar:

NM_032603.5(LOXL3):c.1549C>A (p.Arg517Ser)

Gene: LOXL3 (lysyl oxidase like 3; minus strand). Cytogenetic location: 2p13.1.
Variant type: single nucleotide variant.
Coding change: c.1549C>A on transcript NM_032603.5 (MANE Select); coding-DNA position 1549, C replaced by A.
Protein change: p.Arg517Ser; replaces arginine 517 with serine.
Molecular consequence: missense variant.
Genome position (GRCh38, 1-based): chr2:74,535,322, G>T on the plus strand (C>A on the coding strand, the complement: LOXL3 is on the minus strand). VCF-style: chr2-74535322-G-T. GRCh37 (hg19) VCF-style: chr2-74762449-G-T.
Other names: c.1114C>A, p.Arg372Ser (NM_001289164.3); c.466C>A, p.Arg156Ser (NM_001289165.2); short protein forms R156S, R372S, R517S.
Identifiers: ClinVar variation 4713211 (VCV004713211.1).

ClinVar aggregate classification (germline): Uncertain significance (1 of 4 stars; one submission).

Submission:

Labcorp Genetics (formerly Invitae), Labcorp
Classification: Uncertain significance. Last evaluated: 2025-04-11. Review status: criteria provided, single submitter. Criteria: Invitae Variant Classification Sherloc (09022015). Collection method: clinical testing. Allele origin: germline.
Comment: This sequence change replaces arginine, which is basic and polar, with serine, which is neutral and polar, at codon 517 of the LOXL3 protein (p.Arg517Ser). The frequency data for this variant in the population databases is considered unreliable, as metrics indicate poor data quality at this position in the gnomAD database. This variant has not been reported in the literature in individuals affected with LOXL3-related conditions. An algorithm developed to predict the effect of missense changes on protein structure and function (PolyPhen-2) suggests that this variant is likely to be tolerated. In summary, the available evidence is currently insufficient to determine the role of this variant in disease. Therefore, it has been classified as a Variant of Uncertain Significance.